The following is an entry in ClinVar:

ClinVar aggregate classification (germline): Uncertain significance. Review status: criteria provided, multiple submitters, no conflicts (2 of 4 stars). 2 submissions from 2 submitters: Uncertain significance (2). Last evaluated 2025-07-06.

Conditions:
RASopathy. Also called: Noonan spectrum disorder; rasopathies. Identifiers: Orphanet 536391, MedGen C5555857, MONDO:0021060.
Noonan syndrome 4 (NS4). Also called: SOS1-Related Noonan Syndrome; NOONAN SYNDROME WITH PIGMENTED VILLONODULAR SYNOVITIS. Identifiers: Orphanet 648, MedGen C1853120, MONDO:0012547, OMIM 610733.

Allele frequency attached by ClinVar (database versions not stated): TOPMed below 0.00001; gnomAD 0.00001.
gnomAD v4.1: 8 of 1,601,040 alleles (0.0005%); highest among the groups gnomAD compares: Non-Finnish European, 0.00068%; no homozygotes.

Submissions (2):

Labcorp Genetics (formerly Invitae), Labcorp
Classification: Uncertain significance for RASopathy. Last evaluated: 2025-07-06. Review status: criteria provided, single submitter. Criteria: Invitae Variant Classification Sherloc (09022015). Collection method: clinical testing. Allele origin: germline.
Comment: This sequence change replaces serine, which is neutral and polar, with cysteine, which is neutral and slightly polar, at codon 12 of the SOS1 protein (p.Ser12Cys). This variant is not present in population databases (gnomAD no frequency). This variant has not been reported in the literature in individuals affected with SOS1-related conditions. ClinVar contains an entry for this variant (Variation ID: 1027085). An algorithm developed to predict the effect of missense changes on protein structure and function outputs the following: PolyPhen-2: "Benign". The cysteine amino acid residue is found in multiple mammalian species, which suggests that this missense change does not adversely affect protein function. In summary, the available evidence is currently insufficient to determine the role of this variant in disease. Therefore, it has been classified as a Variant of Uncertain Significance.

St. Jude Molecular Pathology, St. Jude Children's Research Hospital
Classification: Uncertain significance for Noonan syndrome 4. Last evaluated: 2025-06-17. Review status: criteria provided, single submitter. Criteria: St. Jude Assertion Criteria 2020. Collection method: clinical testing. Allele origin: germline.
Comment: The SOS1 c.34A>T p.(Ser12Cys) missense change is absent in gnomAD v2.1.1. The in silico tool REVEL is inconclusive about a pathogenic or benign effect of this variant on protein function, and to our knowledge functional studies have not been performed. To our knowledge, this variant has not been reported in individuals with Noonan syndrome. In summary, the evidence currently available is insufficient to determine the clinical significance of this variant. It has therefore been classified as of uncertain significance.

NM_005633.4(SOS1):c.34A>T (p.Ser12Cys)

Genes: SOS1 (SOS Ras/Rac guanine nucleotide exchange factor 1; minus strand), LOC129933535 (ATAC-STARR-seq lymphoblastoid silent region 11384; plus strand). Cytogenetic location: 2p22.1.
Variant type: single nucleotide variant.
Coding change: c.34A>T on transcript NM_005633.4 (MANE Select); coding-DNA position 34, A replaced by T.
Protein change: p.Ser12Cys; replaces serine 12 with cysteine.
Molecular consequence: missense variant. On other transcripts: intron variant (1).
Genome position (GRCh38, 1-based): chr2:39,120,389, T>A on the plus strand (A>T on the coding strand, the complement: SOS1 is on the minus strand). VCF-style: chr2-39120389-T-A. GRCh37 (hg19) VCF-style: chr2-39347530-T-A.
Other names: c.34A>T (NM_005633.3); c.34A>T, p.Ser12Cys (NM_001382395.1); c.66+4275A>T (NM_001382394.1); short protein forms S12C.
Identifiers: ClinVar variation 1027085 (VCV001027085.12), dbSNP rs751776207, ClinGen allele CA346374720.